The following is an entry in ClinVar:

ClinVar aggregate classification (germline): Uncertain significance (1 of 4 stars; one submission).

Conditions:
Epidermolysis bullosa simplex with nail dystrophy (EBS5D). Identifiers: MedGen C4225309, MONDO:0014661, OMIM 616487.
Epidermolysis bullosa simplex, Ogna type (EBS5A). Also called: EPIDERMOLYSIS BULLOSA SIMPLEX 5A, OGNA TYPE; Pidermolysis bullosa simplex 5A, Ogna type. Identifiers: Orphanet 79401, MedGen C0432317, MONDO:0007555, OMIM 131950.
Autosomal recessive limb-girdle muscular dystrophy type 2Q (LGMDR17). Also called: MUSCULAR DYSTROPHY, LIMB-GIRDLE, AUTOSOMAL RECESSIVE 17. Identifiers: Orphanet 254361, MedGen C3150989, MONDO:0013390, OMIM 613723.
Epidermolysis bullosa simplex 5B, with muscular dystrophy (EBS5B). Also called: EPIDERMOLYSIS BULLOSA SIMPLEX AND LIMB-GIRDLE MUSCULAR DYSTROPHY; Epidermolysis bullosa simplex with muscular dystrophy. Identifiers: Orphanet 257, MedGen C2931072, MONDO:0009181, OMIM 226670.
Epidermolysis bullosa simplex 5C, with pyloric atresia (EBS5C). Also called: PLEC-Related Epidermolysis Bullosa with Pyloric Atresia; Epidermolysis bullosa simplex with pyloric atresia; PLEC1-Related Epidermolysis Bullosa with Pyloric Atresia. Identifiers: Orphanet 158684, MedGen C2677349, MONDO:0012807, OMIM 612138.

Submission:

Labcorp Genetics (formerly Invitae), Labcorp
Classification: Uncertain significance for Autosomal recessive limb-girdle muscular dystrophy type 2Q; Epidermolysis bullosa simplex, Ogna type; Epidermolysis bullosa simplex with nail dystrophy; Epidermolysis bullosa simplex 5C, with pyloric atresia; Epidermolysis bullosa simplex 5B, with muscular dystrophy. Last evaluated: 2025-08-26. Review status: criteria provided, single submitter. Criteria: Invitae Variant Classification Sherloc (09022015). Collection method: clinical testing. Allele origin: germline.
Comment: This sequence change replaces alanine, which is neutral and non-polar, with threonine, which is neutral and polar, at codon 1665 of the PLEC protein (p.Ala1665Thr). This variant is not present in population databases (gnomAD no frequency). This variant has not been reported in the literature in individuals affected with PLEC-related conditions. Experimental studies and prediction algorithms are not available or were not evaluated, and the functional significance of this variant is currently unknown. In summary, the available evidence is currently insufficient to determine the role of this variant in disease. Therefore, it has been classified as a Variant of Uncertain Significance.

NM_201384.3(PLEC):c.4912G>A (p.Ala1638Thr)

Gene: PLEC (plectin; minus strand). Cytogenetic location: 8q24.3.
Variant type: single nucleotide variant.
Coding change: c.4912G>A on transcript NM_201384.3 (MANE Select); coding-DNA position 4912, G replaced by A.
Protein change: p.Ala1638Thr; replaces alanine 1638 with threonine.
Molecular consequence: missense variant. On other transcripts: intron variant (1).
Genome position (GRCh38, 1-based): chr8:143,925,017, C>T on the plus strand (G>A on the coding strand, the complement: PLEC is on the minus strand). VCF-style: chr8-143925017-C-T. GRCh37 (hg19) VCF-style: chr8-144999185-C-T.
Other names: c.4993G>A, p.Ala1665Thr (NM_000445.5); c.4870G>A, p.Ala1624Thr (NM_201378.4); c.4846G>A, p.Ala1616Thr (NM_201379.3); c.5323G>A, p.Ala1775Thr (NM_201380.4); c.4816G>A, p.Ala1606Thr (NM_201381.3); c.4912G>A, p.Ala1638Thr (NM_201382.4); c.4924G>A, p.Ala1642Thr (NM_201383.3); c.4125+1767G>A (NM_001410941.1); short protein forms A1606T, A1616T, A1624T, A1775T, A1642T, A1665T, A1638T.
Identifiers: ClinVar variation 4785976 (VCV004785976.1).
Genomic context (GRCh38, chr8:143,925,017, plus strand): 5'-CCAGGCTCTTCTGCTGCGCCACCTCCTCCGCCTGCAGCCGCAGCCGTAGCGCCTCGTTGG[C>T]CTTGAGCTGCCAGCGCTCCAGCTCCCGCTCTGCCTCCTCGCGCGCCCGCTCGGCCTCGGC-3'
Protein context (NP_958786.1, residues 1628-1648): ERELERWQLK[Ala1638Thr]NEALRLRLQA